The following is an entry in ClinVar:

NM_000257.4(MYH7):c.4725G>T (p.Lys1575Asn)

Genes: MHRT (myosin heavy chain associated RNA transcript; plus strand), MYH7 (myosin heavy chain 7; minus strand), LOC126861897 (BRD4-independent group 4 enhancer GRCh37_chr14:23884455-23885654; plus strand). Cytogenetic location: 14q11.2.
Variant type: single nucleotide variant.
Coding change: c.4725G>T on transcript NM_000257.4 (MANE Select); coding-DNA position 4725, G replaced by T.
Protein change: p.Lys1575Asn; replaces lysine 1575 with asparagine.
Molecular consequence: missense variant. On other transcripts: non-coding transcript variant (1).
Genome position (GRCh38, 1-based): chr14:23,416,232, C>A on the plus strand (G>T on the coding strand, the complement: MYH7 is on the minus strand). VCF-style: chr14-23416232-C-A. GRCh37 (hg19) VCF-style: chr14-23885441-C-A.
Other names: short protein forms K1575N.
Identifiers: ClinVar variation 1316514 (VCV001316514.6), dbSNP rs45476496, ClinGen allele CA389037774.

ClinVar aggregate classification (germline): Uncertain significance. Review status: criteria provided, multiple submitters, no conflicts (2 of 4 stars). 3 submissions from 3 submitters: Uncertain significance (3). Last evaluated 2025-03-05.

Conditions:
Cardiomyopathy (CMYO). Also called: Cardiomyopathies. Identifiers: Orphanet 167848, MedGen C0878544, MONDO:0004994, HP:0001638. Inheritance: Various modes of inheritance.
Hypertrophic cardiomyopathy. Also called: HYPERTROPHIC MYOCARDIOPATHY. Identifiers: Orphanet 217569, MedGen C0007194, MeSH D002312, MONDO:0005045, HP:0001639.

gnomAD v4.1: 1 of 1,614,076 alleles (0.000062%); highest among the groups gnomAD compares: Admixed American, 0.0017%; no homozygotes.

Submissions (3):

Labcorp Genetics (formerly Invitae), Labcorp
Classification: Uncertain significance for Hypertrophic cardiomyopathy. Last evaluated: 2025-03-05. Review status: criteria provided, single submitter. Criteria: Invitae Variant Classification Sherloc (09022015). Collection method: clinical testing. Allele origin: germline.
Comment: This sequence change replaces lysine, which is basic and polar, with asparagine, which is neutral and polar, at codon 1575 of the MYH7 protein (p.Lys1575Asn). This variant is not present in population databases (gnomAD no frequency). This variant has not been reported in the literature in individuals affected with MYH7-related conditions. ClinVar contains an entry for this variant (Variation ID: 1316514). Invitae Evidence Modeling of protein sequence and biophysical properties (such as structural, functional, and spatial information, amino acid conservation, physicochemical variation, residue mobility, and thermodynamic stability) indicates that this missense variant is expected to disrupt MYH7 protein function with a positive predictive value of 95%. In summary, the available evidence is currently insufficient to determine the role of this variant in disease. Therefore, it has been classified as a Variant of Uncertain Significance.

All of Us Research Program, National Institutes of Health
Classification: Uncertain significance for Cardiomyopathy. Last evaluated: 2023-06-26. Review status: criteria provided, single submitter. Criteria: ACMG Guidelines, 2015. Collection method: clinical testing. Allele origin: germline. Inheritance: Autosomal dominant inheritance. Observed: 1 variant allele, 1 heterozygote.
Comment: This missense variant replaces lysine with asparagine at codon 1575 of the MYH7 protein. Computational prediction is inconclusive regarding the impact of this variant on protein structure and function (internally defined REVEL score threshold 0.5 < inconclusive < 0.7, PMID: 27666373). To our knowledge, functional studies have not been reported for this variant. This variant has not been reported in individuals affected with MYH7-related disorders in the literature. This variant has not been identified in the general population by the Genome Aggregation Database (gnomAD). The available evidence is insufficient to determine the role of this variant in disease conclusively. Therefore, this variant is classified as a Variant of Uncertain Significance.

This study involves interpretation of variants in research participants for the purpose of population health screening. Participant phenotype was not available at the time of variant classification. Additional details can be found in publication PMID: 35346344, PMCID: PMC8962531

GeneDx
Classification: Uncertain significance. Last evaluated: 2019-11-04. Review status: criteria provided, single submitter. Criteria: GeneDx Variant Classification Process June 2021. Collection method: clinical testing. Allele origin: germline. Affected: yes.
Comment: Has not been previously published as pathogenic or benign to our knowledge; Not observed in large population cohorts (Lek et al., 2016); In silico analysis, which includes protein predictors and evolutionary conservation, supports a deleterious effect